The following is an entry in ClinVar:

ClinVar aggregate classification (germline): Uncertain significance (1 of 4 stars; one submission).

Conditions:
Nephronophthisis 18 (NPHP18). Identifiers: Orphanet 655, MedGen C3890591, MONDO:0014374, OMIM 615862.

Allele frequency attached by ClinVar (database versions not stated): ExAC 0.00003.
gnomAD v4.1: 8 of 1,611,762 alleles (0.0005%); highest among the groups gnomAD compares: Non-Finnish European, 0.00017%; no homozygotes.

Submission:

Labcorp Genetics (formerly Invitae), Labcorp
Classification: Uncertain significance for Nephronophthisis 18. Last evaluated: 2022-02-24. Review status: criteria provided, single submitter. Criteria: Invitae Variant Classification Sherloc (09022015). Collection method: clinical testing. Allele origin: germline.
Comment: In summary, the available evidence is currently insufficient to determine the role of this variant in disease. Therefore, it has been classified as a Variant of Uncertain Significance. Variants that disrupt the consensus splice site are a relatively common cause of aberrant splicing (PMID: 17576681, 9536098). Algorithms developed to predict the effect of sequence changes on RNA splicing suggest that this variant may disrupt the consensus splice site. ClinVar contains an entry for this variant (Variation ID: 970127). This variant has not been reported in the literature in individuals affected with CEP83-related conditions. This variant is present in population databases (rs767362608, gnomAD 0.005%). This sequence change falls in intron 10 of the CEP83 gene. It does not directly change the encoded amino acid sequence of the CEP83 protein. It affects a nucleotide within the consensus splice site.

Literature cited by the submitters: PubMed 17576681; PubMed 9536098.

NM_016122.3(CEP83):c.1193+5G>A

Gene: CEP83 (centrosomal protein 83; minus strand). Cytogenetic location: 12q22.
Variant type: single nucleotide variant.
Coding change: c.1193+5G>A on transcript NM_016122.3 (MANE Select); 5 bases into the intron after coding-DNA position 1193, G replaced by A.
Molecular consequence: intron variant.
Genome position (GRCh38, 1-based): chr12:94,368,052, C>T on the plus strand (G>A on the coding strand, the complement: CEP83 is on the minus strand). VCF-style: chr12-94368052-C-T. GRCh37 (hg19) VCF-style: chr12-94761828-C-T.
Other names: c.1193+5G>A (NM_001346457.2, NM_001042399.2, NM_001368038.1 and 1 more transcripts); c.881+5G>A (NM_001346459.2, NM_001346458.2, NM_001368040.1 and 1 more transcripts); c.968+5G>A (NM_001368041.1).
Identifiers: ClinVar variation 970127 (VCV000970127.8), dbSNP rs767362608, ClinGen allele CA6721731.